The following is an entry in ClinVar:

ClinVar aggregate classification (germline): Uncertain significance (1 of 4 stars; one submission).

Submission:

GeneDx
Classification: Uncertain significance. Last evaluated: 2019-04-29. Review status: criteria provided, single submitter. Criteria: GeneDx Variant Classification Process June 2021. Collection method: clinical testing. Allele origin: germline. Affected: yes.
Comment: Not observed in large population cohorts (Lek et al., 2016)

NM_020320.5(RARS2):c.775C>G (p.Leu259Val)

Gene: RARS2 (arginyl-tRNA synthetase 2, mitochondrial; minus strand). Cytogenetic location: 6q15.
Variant type: single nucleotide variant.
Coding change: c.775C>G on transcript NM_020320.5 (MANE Select); coding-DNA position 775, C replaced by G.
Protein change: p.Leu259Val; replaces leucine 259 with valine.
Molecular consequence: missense variant. On other transcripts: non-coding transcript variant (23).
Genome position (GRCh38, 1-based): chr6:87,529,645, G>C on the plus strand (C>G on the coding strand, the complement: RARS2 is on the minus strand). VCF-style: chr6-87529645-G-C. GRCh37 (hg19) VCF-style: chr6-88239363-G-C.
Other names: c.250C>G, p.Leu84Val (NM_001318785.2, NM_001350506.2, NM_001350507.2 and 4 more transcripts); c.775C>G, p.Leu259Val (NM_001350505.2); short protein forms L259V, L84V.
Identifiers: ClinVar variation 1302724 (VCV001302724.2), dbSNP rs2128057909, ClinGen allele CA364928960.